The following is an entry in ClinVar:

ClinVar aggregate classification (germline): Conflicting classifications of pathogenicity. Review status: criteria provided, conflicting classifications (1 of 4 stars). 5 submissions from 5 submitters: Uncertain significance (1); Likely benign (4). Last evaluated 2026-04-12.

Conditions:
Epidermolysis bullosa simplex, Ogna type (EBS5A). Also called: Pidermolysis bullosa simplex 5A, Ogna type; EPIDERMOLYSIS BULLOSA SIMPLEX 5A, OGNA TYPE. Identifiers: Orphanet 79401, MedGen C0432317, MONDO:0007555, OMIM 131950.
Epidermolysis bullosa simplex with nail dystrophy (EBS5D). Identifiers: MedGen C4225309, MONDO:0014661, OMIM 616487.
Autosomal recessive limb-girdle muscular dystrophy type 2Q (LGMDR17). Also called: MUSCULAR DYSTROPHY, LIMB-GIRDLE, AUTOSOMAL RECESSIVE 17. Identifiers: Orphanet 254361, MedGen C3150989, MONDO:0013390, OMIM 613723.
Epidermolysis bullosa simplex 5C, with pyloric atresia (EBS5C). Also called: Epidermolysis bullosa simplex with pyloric atresia; PLEC1-Related Epidermolysis Bullosa with Pyloric Atresia; PLEC-Related Epidermolysis Bullosa with Pyloric Atresia. Identifiers: Orphanet 158684, MedGen C2677349, MONDO:0012807, OMIM 612138.
Epidermolysis bullosa simplex 5B, with muscular dystrophy (EBS5B). Also called: Epidermolysis bullosa simplex with muscular dystrophy; EPIDERMOLYSIS BULLOSA SIMPLEX AND LIMB-GIRDLE MUSCULAR DYSTROPHY. Identifiers: Orphanet 257, MedGen C2931072, MONDO:0009181, OMIM 226670.
PLEC-related disorder. Also called: PLEC-related disorders; PLEC-related condition.

Allele frequency attached by ClinVar (database versions not stated): ExAC 0.00004; gnomAD exomes 0.00007 and 0.00009; gnomAD 0.00025 and 0.00026; TOPMed 0.00028; 1000 Genomes Project 30x 0.00031; 1000 Genomes Project 0.00040.
gnomAD v4.1: 171 of 1,609,900 alleles (0.011%); highest among the groups gnomAD compares: Admixed American, 0.063%; no homozygotes.

Submissions (5):

PreventionGenetics, part of Exact Sciences
Classification: Likely benign for PLEC-related condition. Last evaluated: 2026-04-12. Review status: criteria provided, single submitter. Criteria: ACMG Guidelines, 2015. Collection method: clinical testing. Allele origin: germline.
Comment: This variant is classified as likely benign based on ACMG/AMP sequence variant interpretation guidelines (Richards et al. 2015 PMID: 25741868, with internal and published modifications).

Labcorp Genetics (formerly Invitae), Labcorp
Classification: Likely benign for Autosomal recessive limb-girdle muscular dystrophy type 2Q; Epidermolysis bullosa simplex, Ogna type; Epidermolysis bullosa simplex with nail dystrophy; Epidermolysis bullosa simplex 5C, with pyloric atresia; Epidermolysis bullosa simplex 5B, with muscular dystrophy. Last evaluated: 2025-10-18. Review status: criteria provided, single submitter. Criteria: Invitae Variant Classification Sherloc (09022015). Collection method: clinical testing. Allele origin: germline.

Dubai Health Genomic Medicine Center, Dubai Health
Classification: Likely benign for Epidermolysis bullosa simplex 5C, with pyloric atresia. Last evaluated: 2021-01-24. Review status: criteria provided, single submitter. Criteria: ACMG Guidelines, 2015. Collection method: clinical testing. Allele origin: germline. Affected: yes.

CeGaT Center for Human Genetics Tuebingen
Classification: Likely benign. Last evaluated: 2019-05-01. Review status: criteria provided, single submitter. Criteria: CeGaT Center For Human Genetics Tuebingen Variant Classification Criteria Version 2. Collection method: clinical testing. Allele origin: germline. Affected: yes. Observed: 1 variant allele.

Eurofins Ntd Llc (ga)
Classification: Uncertain significance. Last evaluated: 2015-09-22. Review status: criteria provided, single submitter. Criteria: EGL Classification Definitions 2015. Collection method: clinical testing. Allele origin: germline. Observed: 2 variant alleles, 2 heterozygotes.

NM_201384.3(PLEC):c.13209G>A (p.Pro4403=)

Gene: PLEC (plectin; minus strand). Cytogenetic location: 8q24.3.
Variant type: single nucleotide variant.
Coding change: c.13209G>A on transcript NM_201384.3 (MANE Select); coding-DNA position 13209, G replaced by A.
Protein change: p.Pro4403=; no amino-acid change (proline 4403 retained).
Molecular consequence: synonymous variant.
Genome position (GRCh38, 1-based): chr8:143,916,612, C>T on the plus strand (G>A on the coding strand, the complement: PLEC is on the minus strand). VCF-style: chr8-143916612-C-T. GRCh37 (hg19) VCF-style: chr8-144990780-C-T.
Other names: c.13290G>A, p.Pro4430= (NM_000445.5); c.13167G>A, p.Pro4389= (NM_201378.4); c.13143G>A, p.Pro4381= (NM_201379.3); c.13620G>A, p.Pro4540= (NM_201380.4); c.13113G>A, p.Pro4371= (NM_201381.3); c.13209G>A, p.Pro4403= (NM_201382.4); c.13221G>A, p.Pro4407= (NM_201383.3).
Identifiers: ClinVar variation 283434 (VCV000283434.59), dbSNP rs200338374, ClinGen allele CA4923883.